The following is an entry in ClinVar:

NM_001040108.2(MLH3):c.3746C>T (p.Ser1249Phe)

Gene: MLH3 (mutL homolog 3; minus strand). Cytogenetic location: 14q24.3.
Variant type: single nucleotide variant.
Coding change: c.3746C>T on transcript NM_001040108.2 (MANE Select); coding-DNA position 3746, C replaced by T.
Protein change: p.Ser1249Phe; replaces serine 1249 with phenylalanine.
Molecular consequence: missense variant.
Genome position (GRCh38, 1-based): chr14:75,032,149, G>A on the plus strand (C>T on the coding strand, the complement: MLH3 is on the minus strand). VCF-style: chr14-75032149-G-A. GRCh37 (hg19) VCF-style: chr14-75498852-G-A.
Other names: c.3674C>T, p.Ser1225Phe (NM_014381.3); short protein forms S1249F, S1225F.
Identifiers: ClinVar variation 544296 (VCV000544296.21), dbSNP rs139265757, ClinGen allele CA7275335.

ClinVar aggregate classification (germline): Conflicting classifications of pathogenicity. Review status: criteria provided, conflicting classifications (1 of 4 stars). 5 submissions from 5 submitters: Uncertain significance (1); Benign (2); Likely benign (2). Last evaluated 2026-01-27.

Conditions:
Colorectal cancer. Also called: Malignant Colorectal Neoplasm; Colorectal cancer, somatic. Identifiers: MedGen C0346629, MONDO:0005575, OMIM 114500.
Endometrial carcinoma. Also called: Endometrial carcinoma, somatic. Identifiers: MedGen C0476089, MONDO:0002447, OMIM 608089, HP:0012114.
Colorectal cancer, hereditary nonpolyposis, type 7. Identifiers: Orphanet 144, MedGen C1858380, MONDO:0013725, OMIM 614385.

Allele frequency attached by ClinVar (database versions not stated): gnomAD exomes 0.00012 and 0.00036; ExAC 0.00046; 1000 Genomes Project 30x 0.00094; 1000 Genomes Project 0.00100; gnomAD 0.00103 and 0.00108; TOPMed 0.00136; ESP Exome Variant Server 0.00154.
gnomAD v4.1: 351 of 1,613,594 alleles (0.022%); highest among the groups gnomAD compares: African/African-American, 0.4%; no homozygotes.

Submissions (5):

Labcorp Genetics (formerly Invitae), Labcorp
Classification: Benign for Colorectal cancer, hereditary nonpolyposis, type 7. Last evaluated: 2026-01-27. Review status: criteria provided, single submitter. Criteria: Invitae Variant Classification Sherloc (09022015). Collection method: clinical testing. Allele origin: germline.

Center for Genomic Medicine, Rigshospitalet, Copenhagen University Hospital
Classification: Uncertain significance. Last evaluated: 2025-03-04. Review status: criteria provided, single submitter. Criteria: ACMG Guidelines, 2015. Collection method: clinical testing. Allele origin: germline.

Department of Pathology and Laboratory Medicine, Sinai Health System
Classification: Likely benign for Colorectal cancer; Endometrial carcinoma; Colorectal cancer, hereditary nonpolyposis, type 7. Last evaluated: 2024-04-23. Review status: criteria provided, single submitter. Criteria: ACMG Guidelines, 2015. Collection method: clinical testing. Allele origin: germline. Affected: yes.

Ambry Genetics
Classification: Benign. Last evaluated: 2020-09-17. Review status: criteria provided, single submitter. Criteria: Ambry Variant Classification Scheme 2023. Collection method: clinical testing. Allele origin: germline.

Illumina Laboratory Services, Illumina
Classification: Likely benign for Colorectal cancer, hereditary nonpolyposis, type 7. Last evaluated: 2018-01-13. Review status: criteria provided, single submitter. Criteria: ICSL Variant Classification Criteria 13 December 2019. Collection method: clinical testing. Allele origin: germline.
Comment: This variant was observed in the ICSL laboratory as part of a predisposition screen in an ostensibly healthy population. It had not been previously curated by ICSL or reported in the Human Gene Mutation Database (HGMD: prior to June 1st, 2018), and was therefore a candidate for classification through an automated scoring system. Utilizing variant allele frequency, disease prevalence and penetrance estimates, and inheritance mode, an automated score was calculated to assess if this variant is too frequent to cause the disease. Based on the score and internal cut-off values, a variant classified as likely benign is not then subjected to further curation. The score for this variant resulted in a classification of likely benign for this disease.

Literature cited by the submitters: PubMed 34646395 (cited by Department of Pathology and Laboratory Medicine, Sinai Health System).